The following is an entry in ClinVar:

ClinVar aggregate classification (germline): Uncertain significance. Review status: criteria provided, multiple submitters, no conflicts (2 of 4 stars). 2 submissions from 2 submitters: Uncertain significance (2). Last evaluated 2026-05-18.

Conditions:
Hereditary cancer-predisposing syndrome. Also called: Tumor predisposition; Neoplastic Syndromes, Hereditary; Hereditary neoplastic syndrome; Hereditary Cancer Syndrome. Identifiers: Orphanet 140162, MedGen C0027672, MeSH D009386, MONDO:0015356.
Gastrointestinal stromal tumor. Also called: Gastrointestinal stromal tumor, somatic; Gastrointestinal stroma tumor. Identifiers: Orphanet 44890, MedGen C0238198, MeSH D046152, MONDO:0011719, OMIM 606764, HP:0100723.

Submissions (2):

Ambry Genetics
Classification: Uncertain significance for Hereditary cancer-predisposing syndrome. Last evaluated: 2026-05-18. Review status: criteria provided, single submitter. Criteria: Ambry Variant Classification Scheme 2023. Collection method: clinical testing. Allele origin: germline.
Comment: The p.K960N variant (also known as c.2880G>C), located in coding exon 20 of the PDGFRA gene, results from a G to C substitution at nucleotide position 2880. The amino acid change results in lysine to asparagine at codon 960, an amino acid with similar properties. This change occurs in the last base pair of coding exon 20, which makes it likely to have some effect on normal mRNA splicing. The nucleotide and amino acid positions are well conserved in available vertebrate species. In silico splice site analysis predicts that this alteration may weaken the native splice donor site; however, loss of function has not been established as a mechanism of disease. In addition, as a missense substitution, the in silico prediction for this alteration is inconclusive. Based on the available evidence, the clinical significance of this variant remains unclear.

Labcorp Genetics (formerly Invitae), Labcorp
Classification: Uncertain significance for Gastrointestinal stromal tumor. Last evaluated: 2023-04-29. Review status: criteria provided, single submitter. Criteria: Invitae Variant Classification Sherloc (09022015). Collection method: clinical testing. Allele origin: germline.
Comment: This variant has not been reported in the literature in individuals affected with PDGFRA-related conditions. This variant is not present in population databases (gnomAD no frequency). This sequence change replaces lysine, which is basic and polar, with asparagine, which is neutral and polar, at codon 960 of the PDGFRA protein (p.Lys960Asn). ClinVar contains an entry for this variant (Variation ID: 1026088). In summary, the available evidence is currently insufficient to determine the role of this variant in disease. Therefore, it has been classified as a Variant of Uncertain Significance. Algorithms developed to predict the effect of sequence changes on RNA splicing suggest that this variant may disrupt the consensus splice site. An algorithm developed to predict the effect of missense changes on protein structure and function (PolyPhen-2) suggests that this variant is likely to be disruptive.

NM_006206.6(PDGFRA):c.2880G>C (p.Lys960Asn)

Gene: PDGFRA (platelet derived growth factor receptor alpha; plus strand). Cytogenetic location: 4q12.
Variant type: single nucleotide variant.
Coding change: c.2880G>C on transcript NM_006206.6 (MANE Select); coding-DNA position 2880, G replaced by C.
Protein change: p.Lys960Asn; replaces lysine 960 with asparagine.
Molecular consequence: missense variant.
Genome position (GRCh38, 1-based): chr4:54,289,114, G>C. VCF-style: chr4-54289114-G-C. GRCh37 (hg19) VCF-style: chr4-55155281-G-C.
Other names: c.2955G>C, p.Lys985Asn (NM_001347828.2); c.2880G>C, p.Lys960Asn (NM_001347829.2); c.2919G>C, p.Lys973Asn (NM_001347830.2); c.2880G>C (NM_006206.4); short protein forms K960N, K973N, K985N.
Identifiers: ClinVar variation 1026088 (VCV001026088.10), dbSNP rs1724504505, ClinGen allele CA356895888.
Genomic context (GRCh38, chr4:54,289,114, plus strand): 5'-ACCCTCCTTTTACCACCTGAGTGAGATTGTGGAGAATCTGCTGCCTGGACAATATAAAAA[G>C]GTGTGTTTGGATCTGTGGGTGGAAAGGTCTGGATAAAGCTGGAAGTTATACCAGTGAGCT-3'
Protein context (NP_006197.1, residues 950-970): VENLLPGQYK[Lys960Asn]SYEKIHLDFL